The following is an entry in ClinVar:

NM_000391.4(TPP1):c.1468G>T (p.Glu490Ter)

Gene: TPP1 (tripeptidyl peptidase 1; minus strand). Cytogenetic location: 11p15.4.
Variant type: single nucleotide variant.
Coding change: c.1468G>T on transcript NM_000391.4 (MANE Select); coding-DNA position 1468, G replaced by T.
Protein change: p.Glu490Ter; replaces glutamic acid 490 with a stop codon.
Molecular consequence: nonsense.
Genome position (GRCh38, 1-based): chr11:6,614,949, C>A on the plus strand (G>T on the coding strand, the complement: TPP1 is on the minus strand). VCF-style: chr11-6614949-C-A. GRCh37 (hg19) VCF-style: chr11-6636180-C-A.
Other names: short protein forms E490*.
Identifiers: ClinVar variation 1373459 (VCV001373459.6), dbSNP rs1855554832, ClinGen allele CA379472411.

ClinVar aggregate classification (germline): Pathogenic (1 of 4 stars; one submission).

Allele frequency attached by ClinVar (database versions not stated): TOPMed below 0.00001.

Submission:

Labcorp Genetics (formerly Invitae), Labcorp
Classification: Pathogenic. Last evaluated: 2021-03-08. Review status: criteria provided, single submitter. Criteria: Invitae Variant Classification Sherloc (09022015). Collection method: clinical testing. Allele origin: germline.
Comment: For these reasons, this variant has been classified as Pathogenic. This variant has not been reported in the literature in individuals with TPP1-related conditions. This variant is not present in population databases (ExAC no frequency). This sequence change creates a premature translational stop signal (p.Glu490*) in the TPP1 gene. It is expected to result in an absent or disrupted protein product. Loss-of-function variants in TPP1 are known to be pathogenic (PMID: 10330339).

Literature cited by the submitters: PubMed 10330339.